The following is an entry in ClinVar:

ClinVar aggregate classification (germline): Uncertain significance (1 of 4 stars; one submission).

Conditions:
Autosomal recessive mendelian susceptibility to mycobacterial diseases due to complete RORgamma receptor deficiency. Also called: Immunodeficiency 42. Identifiers: Orphanet 477857, MedGen C5567647, MONDO:0014710, OMIM 616622.

Allele frequency attached by ClinVar (database versions not stated): gnomAD exomes 0.00004; TOPMed 0.00004; ExAC 0.00007.
gnomAD v4.1: 50 of 1,601,830 alleles (0.0031%); highest among the groups gnomAD compares: African/African-American, 0.0054%; no homozygotes.

Submission:

Labcorp Genetics (formerly Invitae), Labcorp
Classification: Uncertain significance for Autosomal recessive mendelian susceptibility to mycobacterial diseases due to complete RORgamma receptor deficiency. Last evaluated: 2021-08-28. Review status: criteria provided, single submitter. Criteria: Invitae Variant Classification Sherloc (09022015). Collection method: clinical testing. Allele origin: germline.
Comment: This sequence change falls in intron 5 of the RORC gene. It does not directly change the encoded amino acid sequence of the RORC protein. This variant is present in population databases (rs755681607, ExAC 0.1%). This variant has not been reported in the literature in individuals affected with RORC-related conditions. Algorithms developed to predict the effect of sequence changes on RNA splicing suggest that this variant may disrupt the consensus splice site. In summary, the available evidence is currently insufficient to determine the role of this variant in disease. Therefore, it has been classified as a Variant of Uncertain Significance.

NM_005060.4(RORC):c.812-8G>A

Gene: RORC (RAR related orphan receptor C; minus strand). Cytogenetic location: 1q21.3.
Variant type: single nucleotide variant.
Coding change: c.812-8G>A on transcript NM_005060.4 (MANE Select); 8 bases into the intron before coding-DNA position 812, G replaced by A.
Molecular consequence: intron variant.
Genome position (GRCh38, 1-based): chr1:151,814,703, C>T on the plus strand (G>A on the coding strand, the complement: RORC is on the minus strand). VCF-style: chr1-151814703-C-T. GRCh37 (hg19) VCF-style: chr1-151787179-C-T.
Other names: c.749-8G>A (NM_001001523.2).
Identifiers: ClinVar variation 1430900 (VCV001430900.5), dbSNP rs755681607, ClinGen allele CA1095834.
Genomic context (GRCh38, chr1:151,814,703, plus strand): 5'-CCGCAGCTGGCATGTCTCCCTGTAGGACTTGCAGACGCTCTGCACCAGGTGCTCTGGGGC[C>T]GGAGAAGGAAGGCATGGCTTGATCTCAGCCAGCTCCTACGCCTACCCATGCAAGGGCACT-3'